The following is an entry in ClinVar:

NM_182706.5(SCRIB):c.1512G>A (p.Ser504=)

Gene: SCRIB (scribble planar cell polarity protein; minus strand). Cytogenetic location: 8q24.3.
Variant type: single nucleotide variant.
Coding change: c.1512G>A on transcript NM_182706.5 (MANE Select); coding-DNA position 1512, G replaced by A.
Protein change: p.Ser504=; no amino-acid change (serine 504 retained).
Molecular consequence: synonymous variant.
Genome position (GRCh38, 1-based): chr8:143,810,497, C>T on the plus strand (G>A on the coding strand, the complement: SCRIB is on the minus strand). VCF-style: chr8-143810497-C-T. GRCh37 (hg19) VCF-style: chr8-144892667-C-T.
Other names: c.1512G>A, p.Ser504= (NM_015356.5).
Identifiers: ClinVar variation 3055855 (VCV003055855.2), dbSNP rs144626855, ClinGen allele CA187610649.

ClinVar aggregate classification (germline): Benign (0 of 4 stars; one submission).

Conditions:
SCRIB-related disorder. Also called: SCRIB-related condition.

Allele frequency attached by ClinVar (database versions not stated): ESP Exome Variant Server 0.00085; gnomAD 0.00683; 1000 Genomes Project 0.00958; 1000 Genomes Project 30x 0.01140; ExAC 0.01143; TOPMed 0.01169.
gnomAD v4.1: 6,003 of 1,610,122 alleles (0.37%); highest among the groups gnomAD compares: Admixed American, 8.8%; 287 homozygotes.

Submission:

PreventionGenetics, part of Exact Sciences
Classification: Benign for SCRIB-related condition. Last evaluated: 2019-09-26. Review status: no assertion criteria provided. Collection method: clinical testing. Allele origin: germline.
Comment: This variant is classified as benign based on ACMG/AMP sequence variant interpretation guidelines (Richards et al. 2015 PMID: 25741868, with internal and published modifications).